The following is an entry in ClinVar:

NM_016373.4(WWOX):c.666A>C (p.Lys222Asn)

Gene: WWOX (WW domain containing oxidoreductase; plus strand). Cytogenetic location: 16q23.1.
Variant type: single nucleotide variant.
Coding change: c.666A>C on transcript NM_016373.4 (MANE Select); coding-DNA position 666, A replaced by C.
Protein change: p.Lys222Asn; replaces lysine 222 with asparagine.
Molecular consequence: missense variant.
Genome position (GRCh38, 1-based): chr16:78,424,930, A>C. VCF-style: chr16-78424930-A-C. GRCh37 (hg19) VCF-style: chr16-78458827-A-C.
Other names: c.327A>C, p.Lys109Asn (NM_001291997.2); short protein forms K109N, K222N.
Identifiers: ClinVar variation 957426 (VCV000957426.5), dbSNP rs982171635, ClinGen allele CA284540078.

ClinVar aggregate classification (germline): Uncertain significance (1 of 4 stars; one submission).

Conditions:
Autosomal recessive spinocerebellar ataxia 12. Also called: SPINOCEREBELLAR ATAXIA WITH MENTAL RETARDATION AND EPILEPSY. Identifiers: Orphanet 284282, MedGen C3280452, MONDO:0013687, OMIM 614322.
Developmental and epileptic encephalopathy, 1 (DEE1). Also called: X-linked infantile spasms; West's syndrome; Tonic spasms with clustering, arrest of psychomotor development and hypsarrhythmia on EEG; X-Linked Infantile Spasm Syndrome; OHTAHARA SYNDROME, X-LINKED; INFANTILE SPASM SYNDROME, X-LINKED 1. Identifiers: MedGen C3463992, MONDO:0010632, OMIM 308350. Disease mechanism: loss of function.

Allele frequency attached by ClinVar (database versions not stated): TOPMed 0.00002; gnomAD exomes below 0.00001; gnomAD 0.00001.
gnomAD v4.1: 5 of 1,614,074 alleles (0.00031%); highest among the groups gnomAD compares: Non-Finnish European, 0.00042%; no homozygotes.

Submission:

Labcorp Genetics (formerly Invitae), Labcorp
Classification: Uncertain significance for Developmental and epileptic encephalopathy, 1; Autosomal recessive spinocerebellar ataxia 12. Last evaluated: 2022-06-29. Review status: criteria provided, single submitter. Criteria: Invitae Variant Classification Sherloc (09022015). Collection method: clinical testing. Allele origin: germline.
Comment: This sequence change replaces lysine, which is basic and polar, with asparagine, which is neutral and polar, at codon 222 of the WWOX protein (p.Lys222Asn). This variant is not present in population databases (gnomAD no frequency). This variant has not been reported in the literature in individuals affected with WWOX-related conditions. ClinVar contains an entry for this variant (Variation ID: 957426). Algorithms developed to predict the effect of missense changes on protein structure and function are either unavailable or do not agree on the potential impact of this missense change (SIFT: "Not Available"; PolyPhen-2: "Benign"; Align-GVGD: "Not Available"). In summary, the available evidence is currently insufficient to determine the role of this variant in disease. Therefore, it has been classified as a Variant of Uncertain Significance.